The following is an entry in ClinVar:

NM_007194.4(CHEK2):c.916_917delinsCT (p.Gly306Leu)

Gene: CHEK2 (checkpoint kinase 2; minus strand). Cytogenetic location: 22q12.1.
Variant type: Indel.
Coding change: c.916_917delinsCT on transcript NM_007194.4 (MANE Select); coding-DNA positions 916 to 917, GG replaced by CT.
Protein change: p.Gly306Leu; replaces glycine 306 with leucine.
Molecular consequence: missense variant.
Genome position (GRCh38, 1-based): chr22:28,699,929-28,699,930, CC replaced by AG on the plus strand (GG replaced by CT on the coding strand, the reverse complement: CHEK2 is on the minus strand). VCF-style: chr22-28699929-CC-AG. GRCh37 (hg19) VCF-style: chr22-29095917-CC-AG.
Other names: c.1045_1046delinsCT, p.Gly349Leu (NM_001005735.3, NM_001438294.1); c.253_254delinsCT, p.Gly85Leu (NM_001257387.3, NM_001437942.1); c.715_716delinsCT, p.Gly239Leu (NM_001349956.3); c.1009_1010delinsCT, p.Gly337Leu (NM_001438293.1, NM_001438295.1); c.916_917delinsCT, p.Gly306Leu (NM_145862.3); short protein forms G306L, G337L, G239L, G349L, G85L.
Identifiers: ClinVar variation 5034546 (VCV005034546.1).
Genomic context (GRCh38, chr22:28,699,929, plus strand): 5'-AGCTTGCAGGTAGCTTCTTTCAGGCGTTTATTCCCCACCACTTTGTCAAACAGCTCTCCC[CC>AG]TTCCATCCTGAAACACAAAGGCAAGGCAAGGGGTTCATTCCTGGGGGAAAACGCACTTGG-3'
Protein context (NP_009125.1, residues 296-316): DYYIVLELME[Gly306Leu]GELFDKVVGN

ClinVar aggregate classification (germline): Uncertain significance (1 of 4 stars; one submission).

Conditions:
Hereditary cancer-predisposing syndrome. Also called: Hereditary Cancer Syndrome; Neoplastic Syndromes, Hereditary; Tumor predisposition; Hereditary neoplastic syndrome. Identifiers: Orphanet 140162, MedGen C0027672, MeSH D009386, MONDO:0015356.

Submission:

Ambry Genetics
Classification: Uncertain significance for Hereditary cancer-predisposing syndrome. Last evaluated: 2026-06-21. Review status: criteria provided, single submitter. Criteria: Ambry Variant Classification Scheme 2023. Collection method: clinical testing. Allele origin: germline.
Comment: The c.916_917delGGinsCT variant (also known as p.G306L), located in coding exon 8 of the CHEK2 gene, results from an in-frame deletion of GG and insertion of CT at nucleotide positions 916 to 917. This results in the substitution of the glycine residue for a leucine residue at codon 306, an amino acid with dissimilar properties. This amino acid position is highly conserved in available vertebrate species. Based on the available evidence, the clinical significance of this variant remains unclear.